The following is an entry in ClinVar:

NM_000382.3(ALDH3A2):c.903T>C (p.Ala301=)

Gene: ALDH3A2 (aldehyde dehydrogenase 3 family member A2; plus strand). Cytogenetic location: 17p11.2.
Variant type: single nucleotide variant.
Coding change: c.903T>C on transcript NM_000382.3 (MANE Select); coding-DNA position 903, T replaced by C.
Protein change: p.Ala301=; no amino-acid change (alanine 301 retained).
Molecular consequence: synonymous variant.
Genome position (GRCh38, 1-based): chr17:19,661,231, T>C. VCF-style: chr17-19661231-T-C. GRCh37 (hg19) VCF-style: chr17-19564544-T-C.
Other names: c.903T>C, p.Ala301= (NM_001031806.2, NM_001369136.1, NM_001369137.2 and 3 more transcripts); c.324T>C, p.Ala108= (NM_001369148.2).
Identifiers: ClinVar variation 1603039 (VCV001603039.39), dbSNP rs754226801, ClinGen allele CA8442940.

ClinVar aggregate classification (germline): Likely benign. Review status: criteria provided, multiple submitters, no conflicts (2 of 4 stars). 2 submissions from 2 submitters: Likely benign (2). Last evaluated 2022-07-02.

Allele frequency attached by ClinVar (database versions not stated): gnomAD exomes below 0.00001; TOPMed below 0.00001; ExAC 0.00001; gnomAD 0.00002.
gnomAD v4.1: 12 of 1,614,020 alleles (0.00074%); highest among the groups gnomAD compares: Non-Finnish European, 0.001%; no homozygotes.

Submissions (2):

Labcorp Genetics (formerly Invitae), Labcorp
Classification: Likely benign. Last evaluated: 2022-07-02. Review status: criteria provided, single submitter. Criteria: Invitae Variant Classification Sherloc (09022015). Collection method: clinical testing. Allele origin: germline.

CeGaT Center for Human Genetics Tuebingen
Classification: Likely benign. Last evaluated: 2022-04-01. Review status: criteria provided, single submitter. Criteria: CeGaT Center For Human Genetics Tuebingen Variant Classification Criteria Version 2. Collection method: clinical testing. Allele origin: germline. Affected: yes. Observed: 1 variant allele.
Comment: ALDH3A2: BP4, BP7